The following is an entry in ClinVar:

NM_130839.5(UBE3A):c.1606C>T (p.Arg536Trp)

Genes: SNHG14 (small nucleolar RNA host gene 14; plus strand), UBE3A (ubiquitin protein ligase E3A; minus strand). Cytogenetic location: 15q11.2.
Variant type: single nucleotide variant.
Coding change: c.1606C>T on transcript NM_130839.5 (MANE Select); coding-DNA position 1606, C replaced by T.
Protein change: p.Arg536Trp; replaces arginine 536 with tryptophan.
Molecular consequence: missense variant. On other transcripts: non-coding transcript variant (1), intron variant (2).
Genome position (GRCh38, 1-based): chr15:25,370,568, G>A on the plus strand (C>T on the coding strand, the complement: UBE3A is on the minus strand). VCF-style: chr15-25370568-G-A. GRCh37 (hg19) VCF-style: chr15-25615715-G-A.
Other names: c.1615C>T, p.Arg539Trp (NM_000462.5); c.1606C>T, p.Arg536Trp (NM_001354505.1, NM_001354538.2, NM_001354545.2); c.1546C>T, p.Arg516Trp (NM_001354506.2, NM_001354507.2, NM_001354508.2 and 17 more transcripts); c.1429C>T, p.Arg477Trp (NM_001354546.2); c.301+4897C>T (NM_001354551.2); c.361+4897C>T (NM_001354550.2); short protein forms R516W, R539W, R477W, R536W.
Identifiers: ClinVar variation 449155 (VCV000449155.5), dbSNP rs1385940029, ClinGen allele CA391353206.

ClinVar aggregate classification (germline): Uncertain significance. Review status: criteria provided, multiple submitters, no conflicts (2 of 4 stars). 3 submissions from 3 submitters: Uncertain significance (3). Last evaluated 2025-01-26.

Conditions:
Angelman syndrome (AS). Also called: HAPPY PUPPET SYNDROME. Identifiers: Orphanet 72, MedGen C0162635, MONDO:0007113, OMIM 105830. Disease mechanism: loss of function. Inheritance: AS is caused by disruption of maternally imprinted UBE3A located within the 15q11.2-q13 Angelman syndrome/Prader-Willi syndrome (AS/PWS) region., imprinting disorder.
Intellectual disability. Also called: Intellectual developmental disorder; Intellectual functioning disability; intellectual disabilities. Identifiers: MedGen C3714756, MeSH D008607, MONDO:0001071, HP:0001249.

Allele frequency attached by ClinVar (database versions not stated): gnomAD exomes below 0.00001.

Submissions (3):

Labcorp Genetics (formerly Invitae), Labcorp
Classification: Uncertain significance for Angelman syndrome. Last evaluated: 2025-01-26. Review status: criteria provided, single submitter. Criteria: Invitae Variant Classification Sherloc (09022015). Collection method: clinical testing. Allele origin: germline.
Comment: This sequence change replaces arginine, which is basic and polar, with tryptophan, which is neutral and slightly polar, at codon 516 of the UBE3A protein (p.Arg516Trp). This variant is present in population databases (no rsID available, gnomAD 0.003%). This variant has not been reported in the literature in individuals affected with UBE3A-related conditions. ClinVar contains an entry for this variant (Variation ID: 449155). An algorithm developed to predict the effect of missense changes on protein structure and function (PolyPhen-2) suggests that this variant is likely to be disruptive. Experimental studies have shown that this missense change affects UBE3A function (PMID: 34815418). In summary, the available evidence is currently insufficient to determine the role of this variant in disease. Therefore, it has been classified as a Variant of Uncertain Significance.

Cambridge Genomics Laboratory, East Genomic Laboratory Hub, NHS Genomic Medicine Service
Classification: Uncertain significance for Intellectual disability. Last evaluated: 2020-01-13. Review status: criteria provided, single submitter. Criteria: ACGS Best Practice Guidelines for Variant Classification in Rare Disease 2020. Collection method: clinical testing. Allele origin: germline. Affected: yes. Observed: 1 variant allele.

GeneDx
Classification: Uncertain significance. Last evaluated: 2017-07-11. Review status: criteria provided, single submitter. Criteria: GeneDx Variant Classification (06012015). Collection method: clinical testing. Allele origin: germline. Affected: yes.
Comment: A variant of uncertain significance has been identified in the UBE3A gene. The R516W variant has not been published as a pathogenic variant, nor has it been reported as a benign variant to our knowledge. The R516W variant is not observed in large population cohorts (Lek et al., 2016; 1000 Genomes Consortium et al., 2015; Exome Variant Server). The R516W variant is a non-conservative amino acid substitution, which is likely to impact secondary protein structure as these residues differ in polarity, charge, size and/or other properties. This substitution occurs at a position that is conserved in mammals. In silico analysis predicts this variant is probably damaging to the protein structure/function. However, missense variants in nearby residues have not been reported in the Human Gene Mutation Database in association with UBE3A-related disorders (Stenson et al., 2014). Therefore, based on the currently available information, it is unclear whether this variant is a pathogenic variant or a rare benign variant.

Literature cited by the submitters: PubMed 34815418 (cited by Labcorp Genetics (formerly Invitae), Labcorp).